The following is an entry in ClinVar:

NM_032043.3(BRIP1):c.1936G>T (p.Val646Phe)

Gene: BRIP1 (BRCA1 interacting DNA helicase 1; minus strand). Cytogenetic location: 17q23.2.
Variant type: single nucleotide variant.
Coding change: c.1936G>T on transcript NM_032043.3 (MANE Select); coding-DNA position 1936, G replaced by T.
Protein change: p.Val646Phe; replaces valine 646 with phenylalanine.
Molecular consequence: missense variant.
Genome position (GRCh38, 1-based): chr17:61,776,562, C>A on the plus strand (G>T on the coding strand, the complement: BRIP1 is on the minus strand). VCF-style: chr17-61776562-C-A. GRCh37 (hg19) VCF-style: chr17-59853923-C-A.
Other names: short protein forms V646F.
Identifiers: ClinVar variation 1782972 (VCV001782972.4), dbSNP rs2145034539, ClinGen allele CA400478655.
Genomic context (GRCh38, chr17:61,776,562, plus strand): 5'-TCTGGAAGGTAGCACAGAGATTCCGACCCTTGGGGCCTGACCCAATGGTACCAACCCAAA[C>A]CTAGAATATGAATATGTCATTATTAGAGTTATGCCTGAAAAAGGCATGGAAATTAGTATT-3'
Protein context (NP_114432.2, residues 636-656): EANHIIKNSQ[Val646Phe]WVGTIGSGPK

ClinVar aggregate classification (germline): Uncertain significance. Review status: criteria provided, multiple submitters, no conflicts (2 of 4 stars). 2 submissions from 2 submitters: Uncertain significance (2). Last evaluated 2024-05-31.

Conditions:
Fanconi anemia complementation group J. Also called: BRIP1-Related Fanconi Anemia. Identifiers: Orphanet 84, MedGen C1836860, MONDO:0012187, OMIM 609054.
Familial cancer of breast. Also called: BREAST CANCER, FAMILIAL; Hereditary breast cancer; hereditary breast carcinoma. Identifiers: Orphanet 227535, MedGen C0346153, MONDO:0016419, OMIM 114480. Disease mechanism: loss of function.
Hereditary cancer-predisposing syndrome. Also called: Tumor predisposition; Neoplastic Syndromes, Hereditary; Hereditary Cancer Syndrome; Hereditary neoplastic syndrome. Identifiers: Orphanet 140162, MedGen C0027672, MeSH D009386, MONDO:0015356.

Submissions (2):

Labcorp Genetics (formerly Invitae), Labcorp
Classification: Uncertain significance for Familial cancer of breast; Fanconi anemia complementation group J. Last evaluated: 2024-05-31. Review status: criteria provided, single submitter. Criteria: Invitae Variant Classification Sherloc (09022015). Collection method: clinical testing. Allele origin: germline.
Comment: This sequence change replaces valine, which is neutral and non-polar, with phenylalanine, which is neutral and non-polar, at codon 646 of the BRIP1 protein (p.Val646Phe). This variant is not present in population databases (gnomAD no frequency). This variant has not been reported in the literature in individuals affected with BRIP1-related conditions. ClinVar contains an entry for this variant (Variation ID: 1782972). An algorithm developed to predict the effect of missense changes on protein structure and function (PolyPhen-2) suggests that this variant is likely to be disruptive. Algorithms developed to predict the effect of sequence changes on RNA splicing suggest that this variant may disrupt the consensus splice site. In summary, the available evidence is currently insufficient to determine the role of this variant in disease. Therefore, it has been classified as a Variant of Uncertain Significance.

Ambry Genetics
Classification: Uncertain significance for Hereditary cancer-predisposing syndrome. Last evaluated: 2021-10-03. Review status: criteria provided, single submitter. Criteria: Ambry Variant Classification Scheme 2023. Collection method: clinical testing. Allele origin: germline.
Comment: The p.V646F variant (also known as c.1936G>T) is located in coding exon 13 of the BRIP1 gene. The valine at codon 646 is replaced by phenylalanine, an amino acid with highly similar properties. This change occurs in the first base pair of coding exon 13. This amino acid position is conserved. In addition, this alteration is predicted to be deleterious by in silico analysis. Since supporting evidence is limited at this time, the clinical significance of this alteration remains unclear.